The following is an entry in ClinVar:

NM_014739.3(BCLAF1):c.2272C>A (p.Pro758Thr)

Gene: BCLAF1 (BCL2 associated transcription factor 1; minus strand). Cytogenetic location: 6q23.3.
Variant type: single nucleotide variant.
Coding change: c.2272C>A on transcript NM_014739.3 (MANE Select); coding-DNA position 2272, C replaced by A.
Protein change: p.Pro758Thr; replaces proline 758 with threonine.
Molecular consequence: missense variant. On other transcripts: non-coding transcript variant (7).
Genome position (GRCh38, 1-based): chr6:136,268,287, G>T on the plus strand (C>A on the coding strand, the complement: BCLAF1 is on the minus strand). VCF-style: chr6-136268287-G-T. GRCh37 (hg19) VCF-style: chr6-136589425-G-T.
Other names: c.2266C>A, p.Pro756Thr (NM_001077440.3, NM_001301038.3); c.1753C>A, p.Pro585Thr (NM_001077441.3, NM_001386697.1, NM_001386702.1 and 1 more transcripts); c.2272C>A, p.Pro758Thr (NM_001363659.3, NM_001386700.1, NM_001386701.1); c.2269C>A, p.Pro757Thr (NM_001386693.1, NM_001386694.1); c.1750C>A, p.Pro584Thr (NM_001386695.1); c.1747C>A, p.Pro583Thr (NM_001386696.1, NM_001386698.1, NM_001386703.1); c.1069C>A, p.Pro357Thr (NM_001386699.1); short protein forms P758T, P585T, P756T, P357T, P583T, P584T, P757T.
Identifiers: ClinVar variation 402421 (VCV000402421.6), dbSNP rs77081633, ClinGen allele CA4014216.

ClinVar aggregate classification (germline): Benign. Review status: criteria provided, single submitter (1 of 4 stars). 2 submissions from 2 submitters: Benign (1). 1 of the submissions does not count toward it. Last evaluated 2016-03-29.

Conditions:
BCLAF1-related disorder. Also called: BCLAF1-related condition.

Allele frequency attached by ClinVar (database versions not stated): 1000 Genomes Project 0.00240.

Submissions (2):

Laboratory for Molecular Medicine, Mass General Brigham Personalized Medicine
Classification: Benign. Last evaluated: 2016-03-29. Review status: criteria provided, single submitter. Criteria: LMM Criteria. Collection method: clinical testing. Allele origin: germline.
Comment: Variant identified in a genome or exome case(s) and assessed due to predicted null impact of the variant or pathogenic assertions in the literature or databases. Disclaimer: This variant has not undergone full assessment. The following are preliminary notes: Frequency

PreventionGenetics, part of Exact Sciences
Classification: Likely benign for BCLAF1-related condition. Last evaluated: 2023-05-30. Review status: no assertion criteria provided. Collection method: clinical testing. Allele origin: germline. Not counted in ClinVar's aggregate classification.
Comment: This variant is classified as likely benign based on ACMG/AMP sequence variant interpretation guidelines (Richards et al. 2015 PMID: 25741868, with internal and published modifications).